The following is an entry in ClinVar:

NM_007294.4(BRCA1):c.3990C>G (p.Ser1330Arg)

Genes: BRCA1 (BRCA1 DNA repair associated; minus strand), LOC126862571 (BRD4-independent group 4 enhancer GRCh37_chr17:41243136-41244335; plus strand). Cytogenetic location: 17q21.31.
Variant type: single nucleotide variant.
Coding change: c.3990C>G on transcript NM_007294.4 (MANE Select); coding-DNA position 3990, C replaced by G.
Protein change: p.Ser1330Arg; replaces serine 1330 with arginine.
Molecular consequence: missense variant. On other transcripts: intron variant (135).
Genome position (GRCh38, 1-based): chr17:43,091,541, G>C on the plus strand (C>G on the coding strand, the complement: BRCA1 is on the minus strand). VCF-style: chr17-43091541-G-C. GRCh37 (hg19) VCF-style: chr17-41243558-G-C.
Other names: c.3849C>G, p.Ser1283Arg (NM_001407731.1, NM_001407732.1, NM_001407733.1 and 29 more transcripts); c.3846C>G, p.Ser1282Arg (NM_001407740.1, NM_001407741.1, NM_001407742.1 and 20 more transcripts); c.3990C>G, p.Ser1330Arg (NM_001407859.1, NM_001407854.1, NM_001407858.1 and 30 more transcripts); c.3987C>G, p.Ser1329Arg (NM_001407860.1, NM_001407861.1, NM_001407627.1 and 22 more transcripts); c.3789C>G, p.Ser1263Arg (NM_001407862.1); c.3867C>G, p.Ser1289Arg (NM_001407863.1, NM_001407648.1, NM_001407664.1 and 19 more transcripts); c.3786C>G, p.Ser1262Arg (NM_001407874.1, NM_001407875.1); c.3777C>G, p.Ser1259Arg (NM_001407853.1, NM_001407894.1, NM_001407895.1 and 9 more transcripts); and 41 more; short protein forms S1330R, S1283R, S1218R, S1288R, S1289R, S1329R, S1162R, S1259R.
Identifiers: ClinVar variation 1464112 (VCV001464112.13), dbSNP rs876660808, ClinGen allele CA10593982.

ClinVar aggregate classification (germline): Conflicting classifications of pathogenicity. Review status: criteria provided, conflicting classifications (1 of 4 stars). 3 submissions from 3 submitters: Uncertain significance (2); Likely benign (1). Last evaluated 2023-06-12.

Conditions:
Hereditary breast ovarian cancer syndrome. Also called: Hereditary breast and ovarian cancer; Breast and ovarian cancer; BRCA1- and BRCA2-Associated Hereditary Breast and Ovarian Cancer; Hereditary breast and/or ovarian cancer syndrome; Hereditary breast and ovarian cancer syndrome; Hereditary breast and ovarian cancer syndrome (HBOC). Identifiers: Orphanet 145, MedGen C0677776, MeSH D061325, MONDO:0003582. Disease mechanism: loss of function.
Hereditary cancer-predisposing syndrome. Also called: Tumor predisposition; Hereditary neoplastic syndrome; Hereditary Cancer Syndrome; Neoplastic Syndromes, Hereditary. Identifiers: Orphanet 140162, MedGen C0027672, MeSH D009386, MONDO:0015356.

Allele frequency attached by ClinVar (database versions not stated): gnomAD exomes below 0.00001.
gnomAD v4.1: 2 of 1,614,106 alleles (0.00012%); highest among the groups gnomAD compares: Non-Finnish European, 0.00017%; no homozygotes.

Submissions (3):

Ambry Genetics
Classification: Uncertain significance for Hereditary cancer-predisposing syndrome. Last evaluated: 2023-06-12. Review status: criteria provided, single submitter. Criteria: Ambry Variant Classification Scheme 2023. Collection method: clinical testing. Allele origin: germline.
Comment: The p.S1330R variant (also known as c.3990C>G), located in coding exon 9 of the BRCA1 gene, results from a C to G substitution at nucleotide position 3990. The serine at codon 1330 is replaced by arginine, an amino acid with dissimilar properties. This amino acid position is poorly conserved in available vertebrate species. In addition, the in silico prediction for this alteration is inconclusive. Since supporting evidence is limited at this time, the clinical significance of this alteration remains unclear.

University of Washington Department of Laboratory Medicine, University of Washington
Classification: Likely benign for Hereditary cancer-predisposing syndrome. Last evaluated: 2023-03-23. Review status: criteria provided, single submitter. Criteria: Dines et al. (Genet Med. 2020). Collection method: curation. Allele origin: germline.
Comment: Missense variant in a coldspot region where missense variants are very unlikely to be pathogenic (PMID:31911673).

BRCA1 coldspot (exon 11 using historical exon numbering). Reclassification based on statistical prior probability

Labcorp Genetics (formerly Invitae), Labcorp
Classification: Uncertain significance for Hereditary breast ovarian cancer syndrome. Last evaluated: 2022-01-14. Review status: criteria provided, single submitter. Criteria: Invitae Variant Classification Sherloc (09022015). Collection method: clinical testing. Allele origin: germline.
Comment: This variant is not present in population databases (gnomAD no frequency). In summary, the available evidence is currently insufficient to determine the role of this variant in disease. Therefore, it has been classified as a Variant of Uncertain Significance. Advanced modeling of protein sequence and biophysical properties (such as structural, functional, and spatial information, amino acid conservation, physicochemical variation, residue mobility, and thermodynamic stability) performed at Invitae indicates that this missense variant is not expected to disrupt BRCA1 protein function. This variant has not been reported in the literature in individuals affected with BRCA1-related conditions. This sequence change replaces serine, which is neutral and polar, with arginine, which is basic and polar, at codon 1330 of the BRCA1 protein (p.Ser1330Arg).